The following is an entry in ClinVar:

NM_001329943.3(KIAA0586):c.4241C>T (p.Ser1414Phe)

Gene: KIAA0586 (KIAA0586; plus strand). Cytogenetic location: 14q23.1.
Variant type: single nucleotide variant.
Coding change: c.4241C>T on transcript NM_001329943.3 (MANE Select); coding-DNA position 4241, C replaced by T.
Protein change: p.Ser1414Phe; replaces serine 1414 with phenylalanine.
Molecular consequence: missense variant.
Genome position (GRCh38, 1-based): chr14:58,508,627, C>T. VCF-style: chr14-58508627-C-T. GRCh37 (hg19) VCF-style: chr14-58975345-C-T.
Other names: c.4241C>T, p.Ser1414Phe (NM_001329946.2, NM_001329944.2); c.4109C>T, p.Ser1370Phe (NM_001329947.2, NM_001244192.2); c.3986C>T, p.Ser1329Phe (NM_001364700.1, NM_001364701.2, NM_001244191.2 and 1 more transcripts); c.4013C>T, p.Ser1338Phe (NM_014749.5); c.4400C>T, p.Ser1467Phe (NM_001244189.2); c.4196C>T, p.Ser1399Phe (NM_001244190.2); c.3821C>T, p.Ser1274Phe (NM_001244193.2); short protein forms S1274F, S1329F, S1399F, S1414F, S1467F, S1370F, S1338F.
Identifiers: ClinVar variation 1939818 (VCV001939818.5), dbSNP rs2544094826, ClinGen allele CA390057827.

ClinVar aggregate classification (germline): Uncertain significance (1 of 4 stars; one submission).

Conditions:
Short-rib thoracic dysplasia 14 with polydactyly (SRTD14). Identifiers: Orphanet 397715, MedGen C4225286, MONDO:0014688, OMIM 616546.
Joubert syndrome 23 (JBTS23). Identifiers: Orphanet 475, MedGen C4084822, MONDO:0014664, OMIM 616490.

Allele frequency attached by ClinVar (database versions not stated): gnomAD exomes below 0.00001.

Submission:

Labcorp Genetics (formerly Invitae), Labcorp
Classification: Uncertain significance for Joubert syndrome 23; Short-rib thoracic dysplasia 14 with polydactyly. Last evaluated: 2022-06-15. Review status: criteria provided, single submitter. Criteria: Invitae Variant Classification Sherloc (09022015). Collection method: clinical testing. Allele origin: germline.
Comment: In summary, the available evidence is currently insufficient to determine the role of this variant in disease. Therefore, it has been classified as a Variant of Uncertain Significance. Algorithms developed to predict the effect of missense changes on protein structure and function are either unavailable or do not agree on the potential impact of this missense change (SIFT: "Deleterious"; PolyPhen-2: "Possibly Damaging"; Align-GVGD: "Class C0"). This variant has not been reported in the literature in individuals affected with KIAA0586-related conditions. This variant is not present in population databases (gnomAD no frequency). This sequence change replaces serine, which is neutral and polar, with phenylalanine, which is neutral and non-polar, at codon 1467 of the KIAA0586 protein (p.Ser1467Phe).